The following is an entry in ClinVar:

ClinVar aggregate classification (germline): Uncertain significance (1 of 4 stars; one submission).

Conditions:
Autosomal recessive limb-girdle muscular dystrophy type 2J (LGMDR10). Also called: Limb-girdle muscular dystrophy, type 2J; MUSCULAR DYSTROPHY, LIMB-GIRDLE, AUTOSOMAL RECESSIVE 10. Identifiers: Orphanet 140922, MedGen C1837342, MONDO:0012127, OMIM 608807.
Dilated cardiomyopathy 1G (CMD1G). Identifiers: Orphanet 154, MedGen C1858763, MONDO:0011400, OMIM 604145.

Submission:

Labcorp Genetics (formerly Invitae), Labcorp
Classification: Uncertain significance for Dilated cardiomyopathy 1G; Autosomal recessive limb-girdle muscular dystrophy type 2J. Last evaluated: 2025-03-18. Review status: criteria provided, single submitter. Criteria: Invitae Variant Classification Sherloc (09022015). Collection method: clinical testing. Allele origin: germline.
Comment: This sequence change replaces glycine, which is neutral and non-polar, with arginine, which is basic and polar, at codon 31789 of the TTN protein (p.Gly31789Arg). This variant is present in population databases (no rsID available, gnomAD 0.006%). This variant has not been reported in the literature in individuals affected with TTN-related conditions. Experimental studies and prediction algorithms are not available or were not evaluated, and the functional significance of this variant is currently unknown. This variant is located in the A band of TTN (PMID: 25589632). Variants in this region may be relevant for cardiac or neuromuscular disorders (PMID: 25589632, 23975875). In summary, the available evidence is currently insufficient to determine the role of this variant in disease. Therefore, it has been classified as a Variant of Uncertain Significance.

Literature cited by the submitters: PubMed 25589632; PubMed 23975875.

NM_001267550.2(TTN):c.95365G>C (p.Gly31789Arg)

Genes: TTN (titin; minus strand), TTN-AS1 (TTN antisense RNA 1; plus strand). Cytogenetic location: 2q31.2.
Variant type: single nucleotide variant.
Coding change: c.95365G>C on transcript NM_001267550.2 (MANE Select); coding-DNA position 95365, G replaced by C.
Protein change: p.Gly31789Arg; replaces glycine 31789 with arginine.
Molecular consequence: missense variant.
Genome position (GRCh38, 1-based): chr2:178,545,871, C>G on the plus strand (G>C on the coding strand, the complement: TTN is on the minus strand). VCF-style: chr2-178545871-C-G. GRCh37 (hg19) VCF-style: chr2-179410598-C-G.
Other names: c.90442G>C, p.Gly30148Arg (NM_001256850.1); c.68170G>C, p.Gly22724Arg (NM_003319.4); c.87661G>C, p.Gly29221Arg (NM_133378.4); c.68545G>C, p.Gly22849Arg (NM_133432.3); c.68746G>C, p.Gly22916Arg (NM_133437.4); short protein forms G22724R, G22849R, G22916R, G30148R, G29221R, G31789R.
Identifiers: ClinVar variation 4788922 (VCV004788922.1).